The following is an entry in ClinVar:

NM_138295.5(PKD1L1):c.692G>A (p.Arg231Gln)

Gene: PKD1L1 (polycystin 1 like 1, transient receptor potential channel interacting; minus strand). Cytogenetic location: 7p12.3.
Variant type: single nucleotide variant.
Coding change: c.692G>A on transcript NM_138295.5 (MANE Select); coding-DNA position 692, G replaced by A.
Protein change: p.Arg231Gln; replaces arginine 231 with glutamine.
Molecular consequence: missense variant.
Genome position (GRCh38, 1-based): chr7:47,931,149, C>T on the plus strand (G>A on the coding strand, the complement: PKD1L1 is on the minus strand). VCF-style: chr7-47931149-C-T. GRCh37 (hg19) VCF-style: chr7-47970746-C-T.
Other names: short protein forms R231Q.
Identifiers: ClinVar variation 3353133 (VCV003353133.2).

ClinVar aggregate classification (germline): Uncertain significance. Review status: criteria provided, single submitter (1 of 4 stars). 2 submissions from 2 submitters: Uncertain significance (1). 1 of the submissions does not count toward it. Last evaluated 2024-12-07.

Conditions:
PKD1L1-related disorder. Also called: PKD1L1-related condition.
Inborn genetic diseases. Identifiers: MedGen C0950123, MeSH D030342.

gnomAD v4.1: 44 of 1,614,198 alleles (0.0027%); highest among the groups gnomAD compares: African/African-American, 0.021%; no homozygotes.

Submissions (2):

Ambry Genetics
Classification: Uncertain significance for Inborn genetic diseases. Last evaluated: 2024-12-07. Review status: criteria provided, single submitter. Criteria: Ambry Variant Classification Scheme 2023. Collection method: clinical testing. Allele origin: germline.

PreventionGenetics, part of Exact Sciences
Classification: Uncertain significance for PKD1L1-related condition. Last evaluated: 2024-03-19. Review status: no assertion criteria provided. Collection method: clinical testing. Allele origin: germline. Not counted in ClinVar's aggregate classification.
Comment: The PKD1L1 c.692G>A variant is predicted to result in the amino acid substitution p.Arg231Gln. To our knowledge, this variant has not been reported in the literature. This variant is reported in 0.032% of alleles in individuals of African descent in gnomAD. At this time, the clinical significance of this variant is uncertain due to the absence of conclusive functional and genetic evidence.